The following is an entry in ClinVar:

ClinVar aggregate classification (germline): Uncertain significance (1 of 4 stars; one submission).

gnomAD v4.1: 1 of 1,614,234 alleles (0.000062%); highest among the groups gnomAD compares: Non-Finnish European, 0.000085%; no homozygotes.

Submission:

Labcorp Genetics (formerly Invitae), Labcorp
Classification: Uncertain significance. Last evaluated: 2025-07-13. Review status: criteria provided, single submitter. Criteria: Invitae Variant Classification Sherloc (09022015). Collection method: clinical testing. Allele origin: germline.
Comment: This sequence change replaces glutamic acid, which is acidic and polar, with lysine, which is basic and polar, at codon 610 of the ALPK1 protein (p.Glu610Lys). This variant is not present in population databases (gnomAD no frequency). This variant has not been reported in the literature in individuals affected with ALPK1-related conditions. Invitae Evidence Modeling of protein sequence and biophysical properties (such as structural, functional, and spatial information, amino acid conservation, physicochemical variation, residue mobility, and thermodynamic stability) indicates that this missense variant is not expected to disrupt ALPK1 protein function with a negative predictive value of 80%. In summary, the available evidence is currently insufficient to determine the role of this variant in disease. Therefore, it has been classified as a Variant of Uncertain Significance.

NM_025144.4(ALPK1):c.1828G>A (p.Glu610Lys)

Gene: ALPK1 (alpha kinase 1; plus strand). Cytogenetic location: 4q25.
Variant type: single nucleotide variant.
Coding change: c.1828G>A on transcript NM_025144.4 (MANE Select); coding-DNA position 1828, G replaced by A.
Protein change: p.Glu610Lys; replaces glutamic acid 610 with lysine.
Molecular consequence: missense variant.
Genome position (GRCh38, 1-based): chr4:112,431,375, G>A. VCF-style: chr4-112431375-G-A. GRCh37 (hg19) VCF-style: chr4-113352531-G-A.
Other names: c.1594G>A, p.Glu532Lys (NM_001253884.2); c.1828G>A, p.Glu610Lys (NM_001102406.2); short protein forms E610K, E532K.
Identifiers: ClinVar variation 4780225 (VCV004780225.1).